The following is an entry in ClinVar:

ClinVar aggregate classification (germline): Uncertain significance (1 of 4 stars; one submission).

Submission:

GeneDx
Classification: Uncertain significance. Last evaluated: 2025-07-01. Review status: criteria provided, single submitter. Criteria: GeneDx Variant Classification Process June 2021. Collection method: clinical testing. Allele origin: germline. Affected: yes.
Comment: Not observed at significant frequency in large population cohorts (gnomAD); In silico analysis supports that this missense variant has a deleterious effect on protein structure/function; Has not been previously published as pathogenic or benign to our knowledge

NM_000540.3(RYR1):c.2125G>A (p.Asp709Asn)

Gene: RYR1 (ryanodine receptor 1; plus strand). Cytogenetic location: 19q13.2.
Variant type: single nucleotide variant.
Coding change: c.2125G>A on transcript NM_000540.3 (MANE Select); coding-DNA position 2125, G replaced by A.
Protein change: p.Asp709Asn; replaces aspartic acid 709 with asparagine.
Molecular consequence: missense variant.
Genome position (GRCh38, 1-based): chr19:38,458,250, G>A. VCF-style: chr19-38458250-G-A. GRCh37 (hg19) VCF-style: chr19-38948890-G-A.
Other names: c.2125G>A, p.Asp709Asn (NM_001042723.2); short protein forms D709N.
Identifiers: ClinVar variation 4681066 (VCV004681066.1).